The following is an entry in ClinVar:

ClinVar aggregate classification (germline): Conflicting classifications of pathogenicity. Review status: criteria provided, conflicting classifications (1 of 4 stars). 4 submissions from 4 submitters: Uncertain significance (3); Likely benign (1). Last evaluated 2025-01-14.

Conditions:
Cardiomyopathy (CMYO). Also called: Cardiomyopathies. Identifiers: Orphanet 167848, MedGen C0878544, MONDO:0004994, HP:0001638. Inheritance: Various modes of inheritance.

Allele frequency attached by ClinVar (database versions not stated): gnomAD exomes 0.00001; gnomAD 0.00003; TOPMed 0.00004.

Submissions (4):

Mayo Clinic Laboratories, Mayo Clinic
Classification: Likely benign. Last evaluated: 2025-01-14. Review status: criteria provided, single submitter. Criteria: ACMG Guidelines, 2015. Collection method: clinical testing. Allele origin: germline. Observed: 1 variant allele.
Comment: BP1, BP4

CHEO Genetics Diagnostic Laboratory, Children's Hospital of Eastern Ontario
Classification: Uncertain significance for Cardiomyopathy. Last evaluated: 2021-07-26. Review status: criteria provided, single submitter. Criteria: ACMG Guidelines, 2015. Collection method: clinical testing. Allele origin: germline.

Revvity Omics, Revvity
Classification: Uncertain significance. Last evaluated: 2019-08-31. Review status: criteria provided, single submitter. Criteria: ACMG Guidelines, 2015. Collection method: clinical testing. Allele origin: germline.

GeneDx
Classification: Uncertain significance. Last evaluated: 2014-12-16. Review status: criteria provided, single submitter. Criteria: GeneDx Variant Classification (06012015). Collection method: clinical testing. Allele origin: germline. Affected: yes.
Comment: Missense variants in the TTN gene are considered 'unclassified' if they are not previously reported in the literature and do not have >1% frequency in the population to be considered a polymorphism. Research indicates that truncating mutations in the TTN gene are expected to account for approximately 25% of familial and 18% of sporadic idiopathic DCM; however, truncating variants in the TTN gene have been reported in approximately 3% of reported control alleles. There has been little investigation into non-truncating variants. (Herman D et al. Truncations of titin causing dilated cardiomyopathy. N Eng J Med 366:619-628, 2012) The variant is found in DCM-CRDM panel(s).

NM_001267550.2(TTN):c.50797G>A (p.Ala16933Thr)

Genes: TTN (titin; minus strand), TTN-AS1 (TTN antisense RNA 1; plus strand). Cytogenetic location: 2q31.2.
Variant type: single nucleotide variant.
Coding change: c.50797G>A on transcript NM_001267550.2 (MANE Select); coding-DNA position 50797, G replaced by A.
Protein change: p.Ala16933Thr; replaces alanine 16933 with threonine.
Molecular consequence: missense variant.
Genome position (GRCh38, 1-based): chr2:178,611,432, C>T on the plus strand (G>A on the coding strand, the complement: TTN is on the minus strand). VCF-style: chr2-178611432-C-T. GRCh37 (hg19) VCF-style: chr2-179476159-C-T.
Other names: p.A15292T:GCT>ACT; p.Ala15292Thr; c.45874G>A, p.Ala15292Thr (NM_001256850.1); c.23602G>A, p.Ala7868Thr (NM_003319.4); c.43093G>A, p.Ala14365Thr (NM_133378.4); c.23977G>A, p.Ala7993Thr (NM_133432.3); c.24178G>A, p.Ala8060Thr (NM_133437.4); short protein forms A15292T, A16933T, A14365T, A7868T, A8060T, A7993T.
Identifiers: ClinVar variation 202687 (VCV000202687.8), dbSNP rs794729452, ClinGen allele CA309983.